The following is an entry in ClinVar:

NM_001012720.2(RGR):c.744+5A>G

Gene: RGR (retinal G protein coupled receptor; plus strand). Cytogenetic location: 10q23.1.
Variant type: single nucleotide variant.
Coding change: c.744+5A>G on transcript NM_001012720.2 (MANE Select); 5 bases into the intron after coding-DNA position 744, A replaced by G.
Molecular consequence: intron variant.
Genome position (GRCh38, 1-based): chr10:84,258,011, A>G. VCF-style: chr10-84258011-A-G. GRCh37 (hg19) VCF-style: chr10-86017767-A-G.
Other names: c.756+5A>G (NM_002921.4); c.631-497A>G (NM_001012722.2).
Identifiers: ClinVar variation 167592 (VCV000167592.55), dbSNP rs143720091, ClinGen allele CA180391.
Genomic context (GRCh38, chr10:84,258,011, plus strand): 5'-TGTATCTATACGCAGTCATCGCAGACGTGACTTCCATCTCCCCCAAACTGCAGATGGTAC[A>G]GATACTTCTAGTACCTAAAACTAGACCCCTCTCCATCTTTGTTCTCTGTCTCATCTCATC-3'

ClinVar aggregate classification (germline): Conflicting classifications of pathogenicity. Review status: criteria provided, conflicting classifications (1 of 4 stars). 10 submissions from 10 submitters: Uncertain significance (2); Benign (1); Likely benign (4). 3 of the submissions do not count toward it. Last evaluated 2026-01-25.

Conditions:
RGR-related disorder. Also called: RGR-related condition.
Retinal dystrophy. Also called: Inherited retinal dystrophy. Identifiers: Orphanet 71862, MedGen C0854723, MeSH D058499, MONDO:0019118, HP:0000556.
Retinitis pigmentosa (RP). Identifiers: Orphanet 791, MedGen C0035334, MeSH D012174, MONDO:0019200, OMIM 268000. Inheritance: Autosomal dominant, autosomal recessive and X linked inheritance.
Retinitis pigmentosa 44 (RP44). Identifiers: Orphanet 791, MedGen C3151068, MONDO:0013414, OMIM 613769.

Allele frequency attached by ClinVar (database versions not stated): 1000 Genomes Project 30x 0.00187; 1000 Genomes Project 0.00220; gnomAD 0.00327 and 0.00334; ExAC 0.00336; gnomAD exomes 0.00338 and 0.00379; ESP Exome Variant Server 0.00346; TOPMed 0.00353.
gnomAD v4.1: 5,996 of 1,604,914 alleles (0.37%); highest among the groups gnomAD compares: Admixed American, 0.51%; 21 homozygotes.

Submissions (10):

Labcorp Genetics (formerly Invitae), Labcorp
Classification: Likely benign. Last evaluated: 2026-01-25. Review status: criteria provided, single submitter. Criteria: Invitae Variant Classification Sherloc (09022015). Collection method: clinical testing. Allele origin: germline.

CeGaT Center for Human Genetics Tuebingen
Classification: Likely benign. Last evaluated: 2025-11-01. Review status: criteria provided, single submitter. Criteria: CeGaT Center For Human Genetics Tuebingen Variant Classification Criteria Version 2. Collection method: clinical testing. Allele origin: germline. Affected: yes. Observed: 3 variant alleles.
Comment: RGR: BP4, BS2

Blueprint Genetics
Classification: Likely benign. Last evaluated: 2024-11-27. Review status: criteria provided, single submitter. Criteria: ACMG Guidelines, 2015. Collection method: clinical testing. Allele origin: germline.

ARUP Laboratories, Molecular Genetics and Genomics, ARUP Laboratories
Classification: Benign for Retinitis pigmentosa 44. Last evaluated: 2023-10-26. Review status: criteria provided, single submitter. Criteria: ARUP Molecular Germline Variant Investigation Process 2024. Collection method: clinical testing. Allele origin: germline.

Illumina Laboratory Services, Illumina
Classification: Uncertain significance for Retinitis pigmentosa. Last evaluated: 2018-01-13. Review status: criteria provided, single submitter. Criteria: ICSL Variant Classification Criteria 13 December 2019. Collection method: clinical testing. Allele origin: germline.

Eurofins Ntd Llc (ga)
Classification: Likely benign. Last evaluated: 2014-05-02. Review status: criteria provided, single submitter. Criteria: EGL Classification Definitions 2015. Collection method: clinical testing. Allele origin: germline. Observed: 1 variant allele, 1 heterozygote.

Institute of Human Genetics, Univ. Regensburg, Univ. Regensburg
Classification: Uncertain significance for Retinal dystrophy. Last evaluated: 2012-01-01. Review status: criteria provided, single submitter. Criteria: ACMG Guidelines, 2015. Collection method: clinical testing. Allele origin: germline. Affected: yes.

PreventionGenetics, part of Exact Sciences
Classification: Likely benign for RGR-related condition. Last evaluated: 2019-06-21. Review status: no assertion criteria provided. Collection method: clinical testing. Allele origin: germline. Not counted in ClinVar's aggregate classification.
Comment: This variant is classified as likely benign based on ACMG/AMP sequence variant interpretation guidelines (Richards et al. 2015 PMID: 25741868, with internal and published modifications).

Clinical Genetics DNA and cytogenetics Diagnostics Lab, Erasmus MC, Erasmus Medical Center
Classification: Likely benign. Review status: no assertion criteria provided. Collection method: clinical testing. Allele origin: germline. Affected: yes. Study: VKGL Data-share Consensus. Not counted in ClinVar's aggregate classification.

Clinical Genetics, Academic Medical Center
Classification: Benign. Review status: no assertion criteria provided. Collection method: clinical testing. Allele origin: germline. Affected: yes. Study: VKGL Data-share Consensus. Not counted in ClinVar's aggregate classification.

Literature cited by the submitters: PubMed 31429209 (cited by Institute of Human Genetics, Univ. Regensburg, Univ. Regensburg).